The following is an entry in ClinVar:

ClinVar aggregate classification (germline): Uncertain significance (1 of 4 stars; one submission).

gnomAD v4.1: 1 of 1,614,236 alleles (0.000062%); no homozygotes.

Submission:

Labcorp Genetics (formerly Invitae), Labcorp
Classification: Uncertain significance. Last evaluated: 2025-12-15. Review status: criteria provided, single submitter. Criteria: Invitae Variant Classification Sherloc (09022015). Collection method: clinical testing. Allele origin: germline.
Comment: This sequence change replaces serine, which is neutral and polar, with cysteine, which is neutral and slightly polar, at codon 63 of the VAC14 protein (p.Ser63Cys). This variant is not present in population databases (gnomAD no frequency). This variant has not been reported in the literature in individuals affected with VAC14-related conditions. Invitae Evidence Modeling of protein sequence and biophysical properties (such as structural, functional, and spatial information, amino acid conservation, physicochemical variation, residue mobility, and thermodynamic stability) indicates that this missense variant is expected to disrupt VAC14 protein function with a positive predictive value of 80%. In summary, the available evidence is currently insufficient to determine the role of this variant in disease. Therefore, it has been classified as a Variant of Uncertain Significance.

NM_018052.5(VAC14):c.188C>G (p.Ser63Cys)

Gene: VAC14 (VAC14 component of PIKFYVE complex; minus strand). Cytogenetic location: 16q22.1.
Variant type: single nucleotide variant.
Coding change: c.188C>G on transcript NM_018052.5 (MANE Select); coding-DNA position 188, C replaced by G.
Protein change: p.Ser63Cys; replaces serine 63 with cysteine.
Molecular consequence: missense variant. On other transcripts: intron variant (1).
Genome position (GRCh38, 1-based): chr16:70,786,282, G>C on the plus strand (C>G on the coding strand, the complement: VAC14 is on the minus strand). VCF-style: chr16-70786282-G-C. GRCh37 (hg19) VCF-style: chr16-70820185-G-C.
Other names: c.-447-413C>G (NM_001351157.2); short protein forms S63C.
Identifiers: ClinVar variation 4744317 (VCV004744317.1).